The following is an entry in ClinVar:

ClinVar aggregate classification (germline): Uncertain significance (1 of 4 stars; one submission).

Submission:

GeneDx
Classification: Uncertain significance. Last evaluated: 2023-03-12. Review status: criteria provided, single submitter. Criteria: GeneDx Variant Classification Process June 2021. Collection method: clinical testing. Allele origin: germline. Affected: yes.
Comment: Not observed at significant frequency in large population cohorts (gnomAD); In silico analysis supports that this missense variant does not alter protein structure/function; Has not been previously published as pathogenic or benign to our knowledge

NM_004380.3(CREBBP):c.515G>A (p.Gly172Glu)

Gene: CREBBP (CREB binding protein; minus strand). Cytogenetic location: 16p13.3.
Variant type: single nucleotide variant.
Coding change: c.515G>A on transcript NM_004380.3 (MANE Select); coding-DNA position 515, G replaced by A.
Protein change: p.Gly172Glu; replaces glycine 172 with glutamic acid.
Molecular consequence: missense variant.
Genome position (GRCh38, 1-based): chr16:3,850,580, C>T on the plus strand (G>A on the coding strand, the complement: CREBBP is on the minus strand). VCF-style: chr16-3850580-C-T. GRCh37 (hg19) VCF-style: chr16-3900581-C-T.
Other names: c.515G>A, p.Gly172Glu (NM_001079846.1); short protein forms G172E.
Identifiers: ClinVar variation 2580010 (VCV002580010.1), dbSNP rs772655917, ClinGen allele CA394560786.